The following is an entry in ClinVar:

ClinVar aggregate classification (germline): Likely pathogenic (0 of 4 stars; one submission).

Conditions:
NHS-related disorder. Also called: NHS-related condition.

Submission:

PreventionGenetics, part of Exact Sciences
Classification: Likely pathogenic for NHS-related condition. Last evaluated: 2024-05-02. Review status: no assertion criteria provided. Collection method: clinical testing. Allele origin: germline.
Comment: The NHS c.647delC variant is predicted to result in a frameshift and premature protein termination (p.Pro216Glnfs*68). To our knowledge, this variant has not been reported in the literature or in a large population database, indicating this variant is rare. Frameshift variants in NHS are expected to be pathogenic. This variant is interpreted as likely pathogenic.

NM_001291867.2(NHS):c.647del (p.Pro216fs)

Gene: NHS (NHS actin remodeling regulator; plus strand). Cytogenetic location: Xp22.13.
Variant type: Deletion.
Coding change: c.647del on transcript NM_001291867.2 (MANE Select); coding-DNA position 647, one base deleted (C; older notation c.647delC).
Protein change: p.Pro216fs; shifts the reading frame from proline 216.
Molecular consequence: frameshift variant.
Genome position (GRCh38, 1-based): chrX:17,687,823, C deleted; the last of 3 consecutive C bases (chrX:17,687,821-17,687,823); deleting any one gives the same sequence. VCF-style (leftmost placement, unchanged base first): chrX-17687820-TC-T. GRCh37 (hg19) VCF-style: chrX-17705940-TC-T.
Other names: c.116del, p.Pro39fs (NM_001136024.4, NM_001291868.2); c.647del, p.Pro216fs (NM_198270.4); short protein forms P216fs, P39fs.
Identifiers: ClinVar variation 3347742 (VCV003347742.1).